The following is an entry in ClinVar:

NM_198253.3(TERT):c.574G>A (p.Gly192Arg)

Gene: TERT (telomerase reverse transcriptase; minus strand). Cytogenetic location: 5p15.33.
Variant type: single nucleotide variant.
Coding change: c.574G>A on transcript NM_198253.3 (MANE Select); coding-DNA position 574, G replaced by A.
Protein change: p.Gly192Arg; replaces glycine 192 with arginine.
Molecular consequence: missense variant. On other transcripts: non-coding transcript variant (2).
Genome position (GRCh38, 1-based): chr5:1,294,312, C>T on the plus strand (G>A on the coding strand, the complement: TERT is on the minus strand). VCF-style: chr5-1294312-C-T. GRCh37 (hg19) VCF-style: chr5-1294427-C-T.
Other names: c.574G>A, p.Gly192Arg (NM_001193376.3); short protein forms G192R.
Identifiers: ClinVar variation 3805753 (VCV003805753.1).

ClinVar aggregate classification (germline): Uncertain significance (1 of 4 stars; one submission).

Conditions:
Dyskeratosis congenita. Identifiers: Orphanet 1775, MedGen C0265965, MONDO:0015780.

Submission:

Ambry Genetics
Classification: Uncertain significance for Dyskeratosis congenita. Last evaluated: 2024-12-14. Review status: criteria provided, single submitter. Criteria: Ambry Variant Classification Scheme 2023. Collection method: clinical testing. Allele origin: germline.
Comment: The p.G192R variant (also known as c.574G>A), located in coding exon 2 of the TERT gene, results from a G to A substitution at nucleotide position 574. The glycine at codon 192 is replaced by arginine, an amino acid with dissimilar properties. This amino acid position is conserved. In addition, this alteration is predicted to be tolerated by in silico analysis. Based on the available evidence, the clinical significance of this variant remains unclear.